The following is an entry in ClinVar:

NM_000321.3(RB1):c.1434T>G (p.Asn478Lys)

Gene: RB1 (RB transcriptional corepressor 1; plus strand). Cytogenetic location: 13q14.2.
Variant type: single nucleotide variant.
Coding change: c.1434T>G on transcript NM_000321.3 (MANE Select); coding-DNA position 1434, T replaced by G.
Protein change: p.Asn478Lys; replaces asparagine 478 with lysine.
Molecular consequence: missense variant.
Genome position (GRCh38, 1-based): chr13:48,380,177, T>G. VCF-style: chr13-48380177-T-G. GRCh37 (hg19) VCF-style: chr13-48954313-T-G.
Other names: c.1434T>G, p.Asn478Lys (NM_001407165.1, NM_001407166.1); short protein forms N478K.
Identifiers: ClinVar variation 3787252 (VCV003787252.1).
Genomic context (GRCh38, chr13:48,380,177, plus strand): 5'-TCTTTTTATAGAAGTAAGTATTTTATAATCTTTTTTTTTTTCCTTTAGCAAACTTCTGAA[T>G]GACAACATTTTTCATATGTCTTTATTGGCGTGCGCTCTTGAGGTTGTAATGGCCACATAT-3'
Protein context (NP_000312.2, residues 468-488): LSIQNFSKLL[Asn478Lys]DNIFHMSLLA

ClinVar aggregate classification (germline): Uncertain significance (1 of 4 stars; one submission).

Conditions:
Hereditary cancer-predisposing syndrome. Also called: Neoplastic Syndromes, Hereditary; Hereditary Cancer Syndrome; Tumor predisposition; Hereditary neoplastic syndrome. Identifiers: Orphanet 140162, MedGen C0027672, MeSH D009386, MONDO:0015356.

Submission:

Ambry Genetics
Classification: Uncertain significance for Hereditary cancer-predisposing syndrome. Last evaluated: 2025-02-15. Review status: criteria provided, single submitter. Criteria: Ambry Variant Classification Scheme 2023. Collection method: clinical testing. Allele origin: germline.
Comment: The p.N478K variant (also known as c.1434T>G), located in coding exon 16 of the RB1 gene, results from a T to G substitution at nucleotide position 1434. The asparagine at codon 478 is replaced by lysine, an amino acid with similar properties. This amino acid position is conserved. In addition, the in silico prediction for this alteration is inconclusive. Based on the available evidence, the clinical significance of this variant remains unclear.